The following is an entry in ClinVar:

NM_001111.5(ADAR):c.2724C>A (p.Asp908Glu)

Genes: ADAR (adenosine deaminase RNA specific; minus strand), LOC126805874 (CDK7 strongly-dependent group 2 enhancer GRCh37_chr1:154561176-154562375; plus strand). Cytogenetic location: 1q21.3.
Variant type: single nucleotide variant.
Coding change: c.2724C>A on transcript NM_001111.5 (MANE Select); coding-DNA position 2724, C replaced by A.
Protein change: p.Asp908Glu; replaces aspartic acid 908 with glutamic acid.
Molecular consequence: missense variant.
Genome position (GRCh38, 1-based): chr1:154,589,407, G>T on the plus strand (C>A on the coding strand, the complement: ADAR is on the minus strand). VCF-style: chr1-154589407-G-T. GRCh37 (hg19) VCF-style: chr1-154561883-G-T.
Other names: c.1839C>A, p.Asp613Glu (NM_001025107.3, NM_001193495.2, NM_001365046.1 and 2 more transcripts); c.2751C>A, p.Asp917Glu (NM_001365045.1); c.1761C>A, p.Asp587Glu (NM_001365049.1); c.2646C>A, p.Asp882Glu (NM_015840.4); c.2589C>A, p.Asp863Glu (NM_015841.4); short protein forms D587E, D613E, D863E, D882E, D908E, D917E.
Identifiers: ClinVar variation 3372949 (VCV003372949.1).
Genomic context (GRCh38, chr1:154,589,407, plus strand): 5'-CCACAGCTCTGACCTCGCTCACCTGATGAAGCCTCTCCGGGAGATTATTTCTGCATGGCA[G>T]TCATTGACAGTTTCTCCTTTTAGGCTGAGAGAATCTCCTTTCACACAGCGATTCCCTAGG-3'
Protein context (NP_001102.3, residues 898-918): SLSLKGETVN[Asp908Glu]CHAEIISRRG

ClinVar aggregate classification (germline): Uncertain significance (1 of 4 stars; one submission).

Submission:

GeneDx
Classification: Uncertain significance. Last evaluated: 2024-04-23. Review status: criteria provided, single submitter. Criteria: GeneDx Variant Classification Process June 2021. Collection method: clinical testing. Allele origin: germline. Affected: yes.
Comment: Not observed at significant frequency in large population cohorts (gnomAD); In silico analysis supports that this missense variant has a deleterious effect on protein structure/function; Has not been previously published as pathogenic or benign to our knowledge